The following is an entry in ClinVar:

NM_001130009.3(GEN1):c.2242T>C (p.Tyr748His)

Gene: GEN1 (GEN1 Holliday junction 5' flap endonuclease; plus strand). Cytogenetic location: 2p24.2.
Variant type: single nucleotide variant.
Coding change: c.2242T>C on transcript NM_001130009.3 (MANE Select); coding-DNA position 2242, T replaced by C.
Protein change: p.Tyr748His; replaces tyrosine 748 with histidine.
Molecular consequence: missense variant.
Genome position (GRCh38, 1-based): chr2:17,781,454, T>C. VCF-style: chr2-17781454-T-C. GRCh37 (hg19) VCF-style: chr2-17962721-T-C.
Other names: c.2242T>C, p.Tyr748His (NM_182625.5); short protein forms Y748H.
Identifiers: ClinVar variation 4029271 (VCV004029271.1).

ClinVar aggregate classification (germline): Uncertain significance (1 of 4 stars; one submission).

Submission:

Ambry Genetics
Classification: Uncertain significance. Last evaluated: 2025-05-03. Review status: criteria provided, single submitter. Criteria: Ambry Variant Classification Scheme 2023. Collection method: clinical testing. Allele origin: germline.
Comment: The p.Y748H variant (also known as c.2242T>C), located in coding exon 13 of the GEN1 gene, results from a T to C substitution at nucleotide position 2242. The tyrosine at codon 748 is replaced by histidine, an amino acid with similar properties. This amino acid position is conserved. In addition, this alteration is predicted to be tolerated by in silico analysis. Based on the available evidence, the clinical significance of this variant remains unclear.